The following is an entry in ClinVar:

NM_000540.3(RYR1):c.9394A>G (p.Thr3132Ala)

Gene: RYR1 (ryanodine receptor 1; plus strand). Cytogenetic location: 19q13.2.
Variant type: single nucleotide variant.
Coding change: c.9394A>G on transcript NM_000540.3 (MANE Select); coding-DNA position 9394, A replaced by G.
Protein change: p.Thr3132Ala; replaces threonine 3132 with alanine.
Molecular consequence: missense variant.
Genome position (GRCh38, 1-based): chr19:38,512,405, A>G. VCF-style: chr19-38512405-A-G. GRCh37 (hg19) VCF-style: chr19-39003045-A-G.
Other names: c.9394A>G, p.Thr3132Ala (NM_001042723.2); short protein forms T3132A.
Identifiers: ClinVar variation 2634801 (VCV002634801.1), dbSNP rs1412018435, ClinGen allele CA405687331.
Genomic context (GRCh38, chr19:38,512,405, plus strand): 5'-CTGGGCAAGGTGTCGCAGGCGCGCACCCAGGTGAAAGGCGTGGGCCAGAACCTCACCTAC[A>G]CCACTGTGGCACTGCTGCCGGTCCTCACCACCCTCTTCCAGCACATCGCCCAGCACCAGT-3'
Protein context (NP_000531.2, residues 3122-3142): VKGVGQNLTY[Thr3132Ala]TVALLPVLTT

ClinVar aggregate classification (germline): Uncertain significance (1 of 4 stars; one submission).

Conditions:
RYR1-related disorder. Also called: RYR1-related condition; RYR1-related disorders. Identifiers: MedGen CN239331.

Allele frequency attached by ClinVar (database versions not stated): TOPMed below 0.00001; gnomAD exomes 0.00001.
gnomAD v4.1: 21 of 1,613,750 alleles (0.0013%); highest among the groups gnomAD compares: Non-Finnish European, 0.0018%; no homozygotes.

Submission:

PreventionGenetics, part of Exact Sciences
Classification: Uncertain significance for RYR1-related condition. Last evaluated: 2023-04-19. Review status: criteria provided, single submitter. Criteria: ACMG Guidelines, 2015. Collection method: clinical testing. Allele origin: germline.
Comment: The RYR1 c.9394A>G variant is predicted to result in the amino acid substitution p.Thr3132Ala. To our knowledge, this variant has not been reported in the literature. This variant is reported in 0.00088% of alleles in individuals of European (Non-Finnish) descent in gnomAD. At this time, the clinical significance of this variant is uncertain due to the absence of conclusive functional and genetic evidence.